The following is an entry in ClinVar:

NM_006348.5(COG5):c.1177T>C (p.Trp393Arg)

Gene: COG5 (component of oligomeric golgi complex 5; minus strand). Cytogenetic location: 7q22.3.
Variant type: single nucleotide variant.
Coding change: c.1177T>C on transcript NM_006348.5 (MANE Select); coding-DNA position 1177, T replaced by C.
Protein change: p.Trp393Arg; replaces tryptophan 393 with arginine.
Molecular consequence: missense variant.
Genome position (GRCh38, 1-based): chr7:107,298,278, A>G on the plus strand (T>C on the coding strand, the complement: COG5 is on the minus strand). VCF-style: chr7-107298278-A-G. GRCh37 (hg19) VCF-style: chr7-106938723-A-G.
Other names: c.1177T>C, p.Trp393Arg (NM_001161520.2, NM_001379511.1, NM_001379512.1 and 3 more transcripts); c.607T>C, p.Trp203Arg (NM_001379515.1); c.463T>C, p.Trp155Arg (NM_001379516.1); short protein forms W155R, W203R, W393R.
Identifiers: ClinVar variation 1470526 (VCV001470526.5), dbSNP rs780609950, ClinGen allele CA4430986.
Genomic context (GRCh38, chr7:107,298,278, plus strand): 5'-TAGTTCCACTTGCATTAAAATTCCCTTGGATATGCTGACTGTATTGTTGAAGACGCTTCC[A>G]TAAGTCATTATAAAGACGTAATAATTTAGGGTATTCTCCTTCAAATGCCTGCTTCAAAAA-3'
Protein context (NP_006339.4, residues 383-403): PKLLRLYNDL[Trp393Arg]KRLQQYSQHI

ClinVar aggregate classification (germline): Uncertain significance (1 of 4 stars; one submission).

Conditions:
COG5-congenital disorder of glycosylation. Also called: CDG IIi; CONGENITAL DISORDER OF GLYCOSYLATION, TYPE IIi; COG5-CDG. Identifiers: Orphanet 263487, MedGen C3150876, MONDO:0013325, OMIM 613612.

Allele frequency attached by ClinVar (database versions not stated): TOPMed 0.00001; ExAC 0.00002; gnomAD exomes 0.00002.
gnomAD v4.1: 33 of 1,613,734 alleles (0.002%); highest among the groups gnomAD compares: Admixed American, 0.0033%; no homozygotes.

Submission:

Labcorp Genetics (formerly Invitae), Labcorp
Classification: Uncertain significance for COG5-congenital disorder of glycosylation. Last evaluated: 2022-08-09. Review status: criteria provided, single submitter. Criteria: Invitae Variant Classification Sherloc (09022015). Collection method: clinical testing. Allele origin: germline.
Comment: This sequence change replaces tryptophan, which is neutral and slightly polar, with arginine, which is basic and polar, at codon 424 of the COG5 protein (p.Trp424Arg). This variant is present in population databases (rs780609950, gnomAD 0.006%). This variant has not been reported in the literature in individuals affected with COG5-related conditions. ClinVar contains an entry for this variant (Variation ID: 1470526). Algorithms developed to predict the effect of missense changes on protein structure and function are either unavailable or do not agree on the potential impact of this missense change (SIFT: "Tolerated"; PolyPhen-2: "Probably Damaging"; Align-GVGD: "Class C0"). In summary, the available evidence is currently insufficient to determine the role of this variant in disease. Therefore, it has been classified as a Variant of Uncertain Significance.